The following is an entry in ClinVar:

ClinVar aggregate classification (germline): not provided (0 of 4 stars; one submission).

Conditions:
Normal pregnancy. Identifiers: MedGen C0232989.

Submission:

Institute of Molecular and Cell Biology, University of Tartu
No classification provided. Condition: Normal pregnancy. Review status: no classification provided. Collection method: case-control. Allele origin: unknown. Affected: yes. Study: Kasak2014.
Comment: The study aimed to determine the contribution of copy number variants in the genetic etiology of normal and complicated pregnancies. The samples represented (i) maternal blood DNA drawn from healthy pregnant women during 1st or 2nd trimester and (ii) maternal and paternal blood DNA drawn at term pregnancy cases representing normal and complicated gestations (severe preeclampsia, PE; gestational diabetes, GD; small-for-gestational age newborn, SGA; large-for-gestational age newborn, LGA). We performed CNV calling based on genome-wide genotyping dataset (Illumina HumanOmniExpress-24-v1 BeadChip) by applying three algorithms, QuantiSNP, GADA (Genome Alteration Detection Algorithm) and CNstream in parallel. The acquired CNV calls were merged with HD-CNV (Hotspot Detector for Copy Number Variants) program and only the CNVs predicted by at least two programs, were considered in subsequent analysis.

Literature cited by the submitters: PubMed 25666259.

NC_000006.12:g.31370751_31373580del

Variant type: Deletion.
Genome position: GRCh38: chr6:31,370,751-31,373,580. GRCh37 (hg19): chr6:31,338,528-31,341,357.
Identifiers: ClinVar variation 157006 (VCV000157006.3), ClinGen allele CA212141.